The following is an entry in ClinVar:

NM_005477.3(HCN4):c.1737G>A (p.Glu579=)

Gene: HCN4 (hyperpolarization activated cyclic nucleotide gated potassium channel 4; minus strand). Cytogenetic location: 15q24.1.
Variant type: single nucleotide variant.
Coding change: c.1737G>A on transcript NM_005477.3 (MANE Select); coding-DNA position 1737, G replaced by A.
Protein change: p.Glu579=; no amino-acid change (glutamic acid 579 retained).
Molecular consequence: synonymous variant.
Genome position (GRCh38, 1-based): chr15:73,325,298, C>T on the plus strand (G>A on the coding strand, the complement: HCN4 is on the minus strand). VCF-style: chr15-73325298-C-T. GRCh37 (hg19) VCF-style: chr15-73617639-C-T.
Identifiers: ClinVar variation 2095099 (VCV002095099.4), dbSNP rs2549070103, ClinGen allele CA491479132.
Genomic context (GRCh38, chr15:73,325,298, plus strand): 5'-GGGGAGCTGGCTGCCAGGAAGGCCTGGCTCCCCTCCACGCCGGGCCGCCACACAGCTCAC[C>T]TCCCGCAGGGGCTCGCTTAGCTCGCCCAGGATGCTCTCCTCGTCGAACATCTTGCCCTGG-3'
Protein context (NP_005468.1, residues 569-589): ILGELSEPLR[Glu579=]EIINFNCRKL

ClinVar aggregate classification (germline): Uncertain significance (1 of 4 stars; one submission).

Conditions:
Brugada syndrome 8 (BRGDA8). Identifiers: Orphanet 130, MedGen C2751083, MONDO:0013148, OMIM 613123.

Submission:

Labcorp Genetics (formerly Invitae), Labcorp
Classification: Uncertain significance for Brugada syndrome 8. Last evaluated: 2022-02-16. Review status: criteria provided, single submitter. Criteria: Invitae Variant Classification Sherloc (09022015). Collection method: clinical testing. Allele origin: germline.
Comment: In summary, the available evidence is currently insufficient to determine the role of this variant in disease. Therefore, it has been classified as a Variant of Uncertain Significance. This sequence change affects codon 579 of the HCN4 mRNA. It is a 'silent' change, meaning that it does not change the encoded amino acid sequence of the HCN4 protein. This variant also falls at the last nucleotide of exon 5, which is part of the consensus splice site for this exon. This variant is not present in population databases (gnomAD no frequency). This variant has not been reported in the literature in individuals affected with HCN4-related conditions. Variants that disrupt the consensus splice site are a relatively common cause of aberrant splicing (PMID: 17576681, 9536098). Algorithms developed to predict the effect of sequence changes on RNA splicing suggest that this variant may disrupt the consensus splice site.

Literature cited by the submitters: PubMed 17576681; PubMed 9536098.